The following is an entry in ClinVar:

NM_000531.6(OTC):c.335C>T (p.Thr112Ile)

Gene: OTC (ornithine transcarbamylase; plus strand). Cytogenetic location: Xp11.4.
Variant type: single nucleotide variant.
Coding change: c.335C>T on transcript NM_000531.6 (MANE Select); coding-DNA position 335, C replaced by T.
Protein change: p.Thr112Ile; replaces threonine 112 with isoleucine.
Molecular consequence: missense variant.
Genome position (GRCh38, 1-based): chrX:38,381,378, C>T. VCF-style: chrX-38381378-C-T. GRCh37 (hg19) VCF-style: chrX-38240631-C-T.
Other names: c.335C>T, p.Thr112Ile (NM_001407092.1); short protein forms T112I.
Identifiers: ClinVar variation 4758464 (VCV004758464.1).

ClinVar aggregate classification (germline): Uncertain significance (1 of 4 stars; one submission).

Conditions:
Ornithine carbamoyltransferase deficiency (OTCD). Also called: ORNITHINE TRANSCARBAMYLASE DEFICIENCY; ORNITHINE TRANSCARBAMYLASE DEFICIENCY, HYPERAMMONEMIA DUE TO; OTC DEFICIENCY; Ornithine Carbamoyltransferase Deficiency Disease. Identifiers: Orphanet 664, MedGen C0268542, MONDO:0010703, OMIM 311250.

gnomAD v4.1: 9 of 1,201,547 alleles (0.00075%); highest among the groups gnomAD compares: Non-Finnish European, 0.0009%; no homozygotes.

Submission:

Color Diagnostics, LLC DBA Color Health
Classification: Uncertain significance for Ornithine carbamoyltransferase deficiency. Last evaluated: 2023-11-08. Review status: criteria provided, single submitter. Criteria: ACMG Guidelines, 2015. Collection method: clinical testing. Allele origin: germline.
Comment: This missense variant replaces threonine with isoleucine at codon 112 of the OTC protein. Computational prediction suggests that this variant may have deleterious impact on protein structure and function. To our knowledge, functional studies have not been reported for this variant. This variant has not been reported in individuals affected with OTC-related disorders in the literature. This variant has been identified in 3/182885 chromosomes in the general population by the Genome Aggregation Database (gnomAD). The available evidence is insufficient to determine the role of this variant in disease conclusively. Therefore, this variant is classified as a Variant of Uncertain Significance.